The following is an entry in ClinVar:

NM_001037335.2(HELZ2):c.5751G>A (p.Glu1917=)

Gene: HELZ2 (helicase with zinc finger 2; minus strand). Cytogenetic location: 20q13.33.
Variant type: single nucleotide variant.
Coding change: c.5751G>A on transcript NM_001037335.2 (MANE Select); coding-DNA position 5751, G replaced by A.
Protein change: p.Glu1917=; no amino-acid change (glutamic acid 1917 retained).
Molecular consequence: synonymous variant.
Genome position (GRCh38, 1-based): chr20:63,563,071, C>T on the plus strand (G>A on the coding strand, the complement: HELZ2 is on the minus strand). VCF-style: chr20-63563071-C-T. GRCh37 (hg19) VCF-style: chr20-62194424-C-T.
Other names: c.4044G>A, p.Glu1348= (NM_033405.3).
Identifiers: ClinVar variation 4822440 (VCV004822440.4).

ClinVar aggregate classification (germline): Likely benign (1 of 4 stars; one submission).

gnomAD v4.1: 127 of 1,597,938 alleles (0.0079%); highest among the groups gnomAD compares: Non-Finnish European, 0.01%; no homozygotes.

Submission:

CeGaT Center for Human Genetics Tuebingen
Classification: Likely benign. Last evaluated: 2026-02-01. Review status: criteria provided, single submitter. Criteria: CeGaT Center For Human Genetics Tuebingen Variant Classification Criteria Version 2. Collection method: clinical testing. Allele origin: germline. Affected: yes. Observed: 1 variant allele.
Comment: HELZ2: BP4, BP7